The following is an entry in ClinVar:

ClinVar aggregate classification (germline): Uncertain significance (1 of 4 stars; one submission).

Submission:

Labcorp Genetics (formerly Invitae), Labcorp
Classification: Uncertain significance. Last evaluated: 2023-03-23. Review status: criteria provided, single submitter. Criteria: Invitae Variant Classification Sherloc (09022015). Collection method: clinical testing. Allele origin: germline.
Comment: This sequence change replaces glycine, which is neutral and non-polar, with arginine, which is basic and polar, at codon 78 of the NTHL1 protein (p.Gly78Arg). This variant is not present in population databases (gnomAD no frequency). This variant has not been reported in the literature in individuals affected with NTHL1-related conditions. Algorithms developed to predict the effect of missense changes on protein structure and function output the following: SIFT: "Not Available"; PolyPhen-2: "Benign"; Align-GVGD: "Not Available". The arginine amino acid residue is found in multiple mammalian species, which suggests that this missense change does not adversely affect protein function. In summary, the available evidence is currently insufficient to determine the role of this variant in disease. Therefore, it has been classified as a Variant of Uncertain Significance.

NM_002528.7(NTHL1):c.208G>A (p.Gly70Arg)

Gene: NTHL1 (nth like DNA glycosylase 1; minus strand). Cytogenetic location: 16p13.3.
Variant type: single nucleotide variant.
Coding change: c.208G>A on transcript NM_002528.7 (MANE Select); coding-DNA position 208, G replaced by A.
Protein change: p.Gly70Arg; replaces glycine 70 with arginine.
Molecular consequence: missense variant. On other transcripts: intron variant (1).
Genome position (GRCh38, 1-based): chr16:2,046,274, C>T on the plus strand (G>A on the coding strand, the complement: NTHL1 is on the minus strand). VCF-style: chr16-2046274-C-T. GRCh37 (hg19) VCF-style: chr16-2096275-C-T.
Other names: c.208G>A, p.Gly70Arg (NM_001318193.2); c.24+6G>A (NM_001318194.2); short protein forms G70R.
Identifiers: ClinVar variation 2954611 (VCV002954611.3), dbSNP rs2084378096, ClinGen allele CA394297547.
Genomic context (GRCh38, chr16:2,046,274, plus strand): 5'-TGACCAGCTGTTGCTGCCAGTCCTGGGGCTCCCAGACTGGCACCTTGAGGGGCTCAGCCC[C>T]CTCACCTTTCTCACTGTCCGAGCCCTCATAGGCCACACGCAGTCTCTGTGCTTTCCGCGG-3'
Protein context (NP_002519.2, residues 60-80): YEGSDSEKGE[Gly70Arg]AEPLKVPVWE